The following is an entry in ClinVar:

ClinVar aggregate classification (germline): Uncertain significance (1 of 4 stars; one submission).

Submission:

Labcorp Genetics (formerly Invitae), Labcorp
Classification: Uncertain significance. Last evaluated: 2021-08-05. Review status: criteria provided, single submitter. Criteria: Invitae Variant Classification Sherloc (09022015). Collection method: clinical testing. Allele origin: germline.
Comment: In summary, the available evidence is currently insufficient to determine the role of this variant in disease. Therefore, it has been classified as a Variant of Uncertain Significance. Algorithms developed to predict the effect of missense changes on protein structure and function are either unavailable or do not agree on the potential impact of this missense change (SIFT: "Tolerated"; PolyPhen-2: "Probably Damaging"; Align-GVGD: "Class C0"). This variant has not been reported in the literature in individuals affected with ALPK3-related conditions. This variant is not present in population databases (ExAC no frequency). This sequence change replaces glutamic acid with lysine at codon 693 of the ALPK3 protein (p.Glu693Lys). The glutamic acid residue is moderately conserved and there is a small physicochemical difference between glutamic acid and lysine.

NM_020778.5(ALPK3):c.1471G>A (p.Glu491Lys)

Gene: ALPK3 (alpha kinase 3; plus strand). Cytogenetic location: 15q25.3.
Variant type: single nucleotide variant.
Coding change: c.1471G>A on transcript NM_020778.5 (MANE Select); coding-DNA position 1471, G replaced by A.
Protein change: p.Glu491Lys; replaces glutamic acid 491 with lysine.
Molecular consequence: missense variant.
Genome position (GRCh38, 1-based): chr15:84,840,750, G>A. VCF-style: chr15-84840750-G-A. GRCh37 (hg19) VCF-style: chr15-85383981-G-A.
Other names: short protein forms E491K.
Identifiers: ClinVar variation 1447098 (VCV001447098.6), dbSNP rs1340943180, ClinGen allele CA393375692.